The following is an entry in ClinVar:

NC_000019.9:g.(?_41854180)_(41869424_?)dup

Genes: B9D2 (B9 domain containing 2; minus strand), TGFB1 (transforming growth factor beta 1; minus strand). Cytogenetic location: 19q13.2.
Variant type: Duplication.
Identifiers: ClinVar variation 1409903 (VCV001409903.6).

ClinVar aggregate classification (germline): Uncertain significance. Review status: criteria provided, single submitter (1 of 4 stars). 2 submissions from 1 submitter: Uncertain significance (1). 1 of the submissions does not count toward it. Last evaluated 2022-09-22.

Conditions:
Joubert syndrome. Also called: CEREBELLOPARENCHYMAL DISORDER IV; JOUBERT-BOLTSHAUSER SYNDROME; Familial aplasia of the vermis. Identifiers: Orphanet 475, MedGen C5979921, MONDO:0018772.
Meckel-Gruber syndrome. Also called: DYSENCEPHALIA SPLANCHNOCYSTICA; GRUBER SYNDROME; Dysencephalia splachnocystica. Identifiers: Orphanet 564, MedGen C0265215, MONDO:0018921.

Submissions (2):

Labcorp Genetics (formerly Invitae), Labcorp
Classification: Uncertain significance for Joubert syndrome; Meckel-Gruber syndrome. Last evaluated: 2022-09-22. Review status: criteria provided, single submitter. Criteria: Invitae Variant Classification Sherloc (09022015). Collection method: clinical testing. Allele origin: germline.
Comment: A copy number gain of the genomic region encompassing the full coding sequence of the B9D2 gene has been identified. The boundaries of this event are unknown as they extend beyond the assayed region for this gene and therefore may encompass additional genes. As the precise location of this event is unknown, it may be in tandem or it may be located elsewhere in the genome. This variant has not been reported in the literature in individuals affected with B9D2-related conditions. Experimental studies and prediction algorithms are not available or were not evaluated, and the functional significance of this variant is currently unknown. In summary, the available evidence is currently insufficient to determine the role of this variant in disease. Therefore, it has been classified as a Variant of Uncertain Significance.

Labcorp Genetics (formerly Invitae), Labcorp
Classification: Uncertain significance. Last evaluated: 2022-02-03. Review status: flagged submission. Criteria: Invitae Variant Classification Sherloc (09022015). Collection method: clinical testing. Allele origin: germline. Not counted in ClinVar's aggregate classification.
Comment: This variant results in a copy number gain of the genomic region encompassing exon(s) 1-2 of the TGFB1 gene. This region includes the initiator codon of the gene. This copy number gain extends beyond the assayed region for this gene and therefore may encompass additional genes. As the precise location of this event is unknown, it may be in tandem or it may be located elsewhere in the genome. This variant has not been reported in the literature in individuals affected with TGFB1-related conditions. In summary, the available evidence is currently insufficient to determine the role of this variant in disease. Therefore, it has been classified as a Variant of Uncertain Significance.
ClinVar note: Reason: This record appears to be redundant with a more recent record from the same submitter.
ClinVar note: Notes: SCV002178815 appears to be redundant with SCV003795618.